The following is an entry in ClinVar:

NM_002734.5(PRKAR1A):c.142G>A (p.Ala48Thr)

Gene: PRKAR1A (protein kinase cAMP-dependent type I regulatory subunit alpha; plus strand). Cytogenetic location: 17q24.2.
Variant type: single nucleotide variant.
Coding change: c.142G>A on transcript NM_002734.5 (MANE Select); coding-DNA position 142, G replaced by A.
Protein change: p.Ala48Thr; replaces alanine 48 with threonine.
Molecular consequence: missense variant.
Genome position (GRCh38, 1-based): chr17:68,515,541, G>A. VCF-style: chr17-68515541-G-A. GRCh37 (hg19) VCF-style: chr17-66511682-G-A.
Other names: c.142G>A, p.Ala48Thr (NM_001276289.2, NM_001276290.1, NM_001278433.2 and 4 more transcripts); short protein forms A48T.
Identifiers: ClinVar variation 1772469 (VCV001772469.2), dbSNP rs2085406625, ClinGen allele CA400752055.
Genomic context (GRCh38, chr17:68,515,541, plus strand): 5'-CAAGCGCTGCTCAAAGATTCTATTGTGCAGTTGTGCACTGCTCGACCTGAGAGACCCATG[G>A]CATTCCTCAGGGAATACTTTGAGAGGTTGGAGAAGGTAAAAATAAATGTGGGGAGATGAT-3'
Protein context (NP_002725.1, residues 38-58): LCTARPERPM[Ala48Thr]FLREYFERLE

ClinVar aggregate classification (germline): Uncertain significance (1 of 4 stars; one submission).

Conditions:
Hereditary cancer-predisposing syndrome. Also called: Hereditary Cancer Syndrome; Hereditary neoplastic syndrome; Neoplastic Syndromes, Hereditary; Tumor predisposition. Identifiers: Orphanet 140162, MedGen C0027672, MeSH D009386, MONDO:0015356.

Allele frequency attached by ClinVar (database versions not stated): gnomAD 0.00001.
gnomAD v4.1: 1 of 1,612,710 alleles (0.000062%); highest among the groups gnomAD compares: African/African-American, 0.0013%; no homozygotes.

Submission:

Ambry Genetics
Classification: Uncertain significance for Hereditary cancer-predisposing syndrome. Last evaluated: 2021-01-04. Review status: criteria provided, single submitter. Criteria: Ambry Variant Classification Scheme 2023. Collection method: clinical testing. Allele origin: germline.
Comment: The p.A48T variant (also known as c.142G>A), located in coding exon 1 of the PRKAR1A gene, results from a G to A substitution at nucleotide position 142. The alanine at codon 48 is replaced by threonine, an amino acid with similar properties. This amino acid position is well conserved in available vertebrate species. In addition, the in silico prediction for this alteration is inconclusive. Since supporting evidence is limited at this time, the clinical significance of this alteration remains unclear.